The following is an entry in ClinVar:

NM_206933.4(USH2A):c.10490A>G (p.Asp3497Gly)

Gene: USH2A (usherin; minus strand). Cytogenetic location: 1q41.
Variant type: single nucleotide variant.
Coding change: c.10490A>G on transcript NM_206933.4 (MANE Select); coding-DNA position 10490, A replaced by G.
Protein change: p.Asp3497Gly; replaces aspartic acid 3497 with glycine.
Molecular consequence: missense variant.
Genome position (GRCh38, 1-based): chr1:215,782,833, T>C on the plus strand (A>G on the coding strand, the complement: USH2A is on the minus strand). VCF-style: chr1-215782833-T-C. GRCh37 (hg19) VCF-style: chr1-215956175-T-C.
Other names: short protein forms D3497G.
Identifiers: ClinVar variation 504701 (VCV000504701.15), dbSNP rs146569216, ClinGen allele CA1394002.

ClinVar aggregate classification (germline): Uncertain significance. Review status: criteria provided, multiple submitters, no conflicts (2 of 4 stars). 9 submissions from 8 submitters: Uncertain significance (8). 1 of the submissions does not count toward it. Last evaluated 2025-10-06.

Conditions:
USH2A-related disorder. Also called: USH2A-related condition; USH2A-related disorders. Identifiers: MedGen CN239332.
Usher syndrome type 2A. Also called: USHER SYNDROME, TYPE IIA; RETINAL DISEASE IN USHER SYNDROME TYPE IIA, MODIFIER OF. Identifiers: Orphanet 231178, Orphanet 886, MedGen C1848634, MONDO:0010169, OMIM 276901.
Retinitis pigmentosa 39 (RP39). Identifiers: Orphanet 791, MedGen C3151138, MONDO:0013436, OMIM 613809.

Allele frequency attached by ClinVar (database versions not stated): gnomAD exomes 0.00003; ExAC 0.00004; ESP Exome Variant Server 0.00015; TOPMed 0.00023; gnomAD 0.00025.
gnomAD v4.1: 72 of 1,614,010 alleles (0.0045%); highest among the groups gnomAD compares: African/African-American, 0.096%; no homozygotes.

Submissions (9):

Women's Health and Genetics/Laboratory Corporation of America, LabCorp
Classification: Uncertain significance. Last evaluated: 2025-10-06. Review status: criteria provided, single submitter. Criteria: LabCorp Variant Classification Summary - May 2015. Collection method: clinical testing. Allele origin: germline.
Comment: Variant summary: USH2A c.10490A>G (p.Asp3497Gly) results in a non-conservative amino acid change in the encoded protein sequence. Algorithms developed to predict the effect of missense changes on protein structure and function are either unavailable or do not agree on the potential impact of this missense change. The variant allele was found at a frequency of 3.2e-05 in 251192 control chromosomes. c.10490A>G has been observed in individuals affected with clinical features of Usher Syndrome (Jauregui_2020, Internal data). These data indicate that the variant may be associated with disease. To our knowledge, no experimental evidence demonstrating an impact on protein function has been reported. The following publications have been ascertained in the context of this evaluation (PMID: 32098976). ClinVar contains an entry for this variant (Variation ID: 504701). Based on the evidence outlined above, the variant was classified as VUS-possibly pathogenic.

PreventionGenetics, part of Exact Sciences
Classification: Uncertain significance for USH2A-related condition. Last evaluated: 2025-02-17. Review status: criteria provided, single submitter. Criteria: ACMG Guidelines, 2015. Collection method: clinical testing. Allele origin: germline.
Comment: The USH2A c.10490A>G variant is predicted to result in the amino acid substitution p.Asp3497Gly. To our knowledge, this variant has not been reported in the literature. This variant is reported in 0.056% of alleles in individuals of African descent in gnomAD. At this time, the clinical significance of this variant is uncertain due to the absence of conclusive functional and genetic evidence.

Revvity Omics, Revvity
Classification: Uncertain significance. Last evaluated: 2025-02-06. Review status: criteria provided, single submitter. Criteria: ACMG Guidelines, 2015. Collection method: clinical testing. Allele origin: germline.

Labcorp Genetics (formerly Invitae), Labcorp
Classification: Uncertain significance. Last evaluated: 2024-10-29. Review status: criteria provided, single submitter. Criteria: Invitae Variant Classification Sherloc (09022015). Collection method: clinical testing. Allele origin: germline.
Comment: This sequence change replaces aspartic acid, which is acidic and polar, with glycine, which is neutral and non-polar, at codon 3497 of the USH2A protein (p.Asp3497Gly). This variant is present in population databases (rs146569216, gnomAD 0.05%). This missense change has been observed in individual(s) with USH2A-related conditions (internal data). ClinVar contains an entry for this variant (Variation ID: 504701). Invitae Evidence Modeling of protein sequence and biophysical properties (such as structural, functional, and spatial information, amino acid conservation, physicochemical variation, residue mobility, and thermodynamic stability) indicates that this missense variant is not expected to disrupt USH2A protein function with a negative predictive value of 95%. Algorithms developed to predict the effect of sequence changes on RNA splicing suggest that this variant may create or strengthen a splice site. In summary, the available evidence is currently insufficient to determine the role of this variant in disease. Therefore, it has been classified as a Variant of Uncertain Significance.

Genome-Nilou Lab
Classification: Uncertain significance for Retinitis pigmentosa 39. Last evaluated: 2023-11-04. Review status: criteria provided, single submitter. Criteria: ACMG Guidelines, 2015. Collection method: clinical testing. Allele origin: germline. Affected: no.

Genome-Nilou Lab
Classification: Uncertain significance for Usher syndrome type 2A. Last evaluated: 2023-11-04. Review status: criteria provided, single submitter. Criteria: ACMG Guidelines, 2015. Collection method: clinical testing. Allele origin: germline. Affected: no.

Blueprint Genetics
Classification: Uncertain significance. Last evaluated: 2022-11-07. Review status: criteria provided, single submitter. Criteria: ACMG Guidelines, 2015. Collection method: clinical testing. Allele origin: germline.

Laboratory for Molecular Medicine, Mass General Brigham Personalized Medicine
Classification: Uncertain significance. Last evaluated: 2017-12-21. Review status: criteria provided, single submitter. Criteria: LMM Criteria. Collection method: clinical testing. Allele origin: germline. Observed: 1 variant allele.
Comment: The p.Asp3497Gly variant in USH2A has not been previously reported in individual s with Usher syndrome, but has been identified in 13/24028 African chromosomes b y the Genome Aggregation Database (gnomAD; dbS NP rs146569216). Although this variant has been seen in the general population, its frequency is not high enough to rule out a pathogenic role. Computational pr ediction tools and conservation analysis do not provide strong support for or ag ainst an impact to the protein. In summary, the clinical significance of the p.A sp3497Gly variant is uncertain. ACMG/AMP Criteria applied: None.

Natera, Inc.
Classification: Uncertain significance for Usher syndrome type 2A. Last evaluated: 2019-11-11. Review status: no assertion criteria provided. Collection method: clinical testing. Allele origin: germline. Not counted in ClinVar's aggregate classification.

Literature cited by the submitters: PubMed 32098976 (cited by Women's Health and Genetics/Laboratory Corporation of America, LabCorp).